The following is an entry in ClinVar:

ClinVar aggregate classification (germline): Conflicting classifications of pathogenicity. Review status: criteria provided, conflicting classifications (1 of 4 stars). 4 submissions from 4 submitters: Uncertain significance (3); Likely benign (1). Last evaluated 2024-08-21.

Conditions:
Intellectual disability, autosomal dominant 16 (CSS4). Also called: COFFIN-SIRIS SYNDROME 4. Identifiers: Orphanet 1465, MedGen C3553249, MONDO:0013821, OMIM 614609.
Hereditary cancer-predisposing syndrome. Also called: Neoplastic Syndromes, Hereditary; Tumor predisposition; Hereditary neoplastic syndrome; Hereditary Cancer Syndrome. Identifiers: Orphanet 140162, MedGen C0027672, MeSH D009386, MONDO:0015356.
Rhabdoid tumor predisposition syndrome 2 (RTPS2). Identifiers: Orphanet 231108, Orphanet 69077, MedGen C2750074, MONDO:0013224, OMIM 613325.

gnomAD v4.1: 2 of 1,613,804 alleles (0.00012%); highest among the groups gnomAD compares: Non-Finnish European, 0.00017%; no homozygotes.

Submissions (4):

Labcorp Genetics (formerly Invitae), Labcorp
Classification: Uncertain significance for Rhabdoid tumor predisposition syndrome 2. Last evaluated: 2024-08-21. Review status: criteria provided, single submitter. Criteria: Invitae Variant Classification Sherloc (09022015). Collection method: clinical testing. Allele origin: germline.
Comment: This sequence change replaces arginine, which is basic and polar, with histidine, which is basic and polar, at codon 1545 of the SMARCA4 protein (p.Arg1545His). This variant is not present in population databases (gnomAD no frequency). This variant has not been reported in the literature in individuals affected with SMARCA4-related conditions. ClinVar contains an entry for this variant (Variation ID: 825057). Invitae Evidence Modeling of protein sequence and biophysical properties (such as structural, functional, and spatial information, amino acid conservation, physicochemical variation, residue mobility, and thermodynamic stability) has been performed for this missense variant. However, the output from this modeling did not meet the statistical confidence thresholds required to predict the impact of this variant on SMARCA4 protein function. In summary, the available evidence is currently insufficient to determine the role of this variant in disease. Therefore, it has been classified as a Variant of Uncertain Significance.

Baylor Genetics
Classification: Uncertain significance for Rhabdoid tumor predisposition syndrome 2. Last evaluated: 2023-05-22. Review status: criteria provided, single submitter. Criteria: ACMG Guidelines, 2015. Collection method: clinical testing. Allele origin: unknown.

Genome-Nilou Lab
Classification: Uncertain significance for Intellectual disability, autosomal dominant 16. Last evaluated: 2021-07-15. Review status: criteria provided, single submitter. Criteria: ACMG Guidelines, 2015. Collection method: clinical testing. Allele origin: germline. Affected: no.

Ambry Genetics
Classification: Likely benign for Hereditary cancer-predisposing syndrome. Last evaluated: 2021-03-11. Review status: criteria provided, single submitter. Criteria: Ambry Variant Classification Scheme 2023. Collection method: clinical testing. Allele origin: germline.

NM_003072.5(SMARCA4):c.4538G>A (p.Arg1513His)

Gene: SMARCA4 (SWI/SNF related BAF chromatin remodeling complex subunit ATPase 4; plus strand). Cytogenetic location: 19p13.2.
Variant type: single nucleotide variant.
Coding change: c.4538G>A on transcript NM_003072.5 (MANE Select); coding-DNA position 4538, G replaced by A.
Protein change: p.Arg1513His; replaces arginine 1513 with histidine.
Molecular consequence: missense variant. On other transcripts: non-coding transcript variant (1).
Genome position (GRCh38, 1-based): chr19:11,058,792, G>A. VCF-style: chr19-11058792-G-A. GRCh37 (hg19) VCF-style: chr19-11169468-G-A.
Other names: c.4538G>A, p.Arg1513His (NM_001128844.3); c.4448G>A, p.Arg1483His (NM_001128845.2); c.4445G>A, p.Arg1482His (NM_001128846.2); c.4439G>A, p.Arg1480His (NM_001128847.4, NM_001374457.1); c.4436G>A, p.Arg1479His (NM_001128848.2); c.4634G>A, p.Arg1545His (NM_001128849.3); short protein forms R1480H, R1482H, R1483H, R1545H, R1479H, R1513H.
Identifiers: ClinVar variation 825057 (VCV000825057.16), dbSNP rs1600635111, ClinGen allele CA404078659.